The following is an entry in ClinVar:

NM_021147.5(CCNO):c.949A>C (p.Met317Leu)

Gene: CCNO (cyclin O; minus strand). Cytogenetic location: 5q11.2.
Variant type: single nucleotide variant.
Coding change: c.949A>C on transcript NM_021147.5 (MANE Select); coding-DNA position 949, A replaced by C.
Protein change: p.Met317Leu; replaces methionine 317 with leucine.
Molecular consequence: missense variant. On other transcripts: non-coding transcript variant (3).
Genome position (GRCh38, 1-based): chr5:55,231,479, T>G on the plus strand (A>C on the coding strand, the complement: CCNO is on the minus strand). VCF-style: chr5-55231479-T-G. GRCh37 (hg19) VCF-style: chr5-54527307-T-G.
Other names: short protein forms M317L.
Identifiers: ClinVar variation 525248 (VCV000525248.8), dbSNP rs780967882, ClinGen allele CA3266653.

ClinVar aggregate classification (germline): Uncertain significance (1 of 4 stars; one submission).

Conditions:
Primary ciliary dyskinesia. Also called: Ciliary dyskinesia. Identifiers: Orphanet 244, MedGen C0008780, MONDO:0016575, HP:0012265.

Allele frequency attached by ClinVar (database versions not stated): gnomAD 0.00001; gnomAD exomes 0.00003 and 0.00007; TOPMed 0.00003; ExAC 0.00006.
gnomAD v4.1: 53 of 1,613,930 alleles (0.0033%); highest among the groups gnomAD compares: Non-Finnish European, 0.00034%; no homozygotes.

Submission:

Labcorp Genetics (formerly Invitae), Labcorp
Classification: Uncertain significance for Primary ciliary dyskinesia. Last evaluated: 2021-08-27. Review status: criteria provided, single submitter. Criteria: Invitae Variant Classification Sherloc (09022015). Collection method: clinical testing. Allele origin: germline.
Comment: This sequence change replaces methionine with leucine at codon 317 of the CCNO protein (p.Met317Leu). The methionine residue is weakly conserved and there is a small physicochemical difference between methionine and leucine. This variant is present in population databases (rs780967882, ExAC 0.01%). This variant has not been reported in the literature in individuals affected with CCNO-related conditions. Algorithms developed to predict the effect of missense changes on protein structure and function output the following: SIFT: "Tolerated"; PolyPhen-2: "Benign"; Align-GVGD: "Class C0". The leucine amino acid residue is found in multiple mammalian species, which suggests that this missense change does not adversely affect protein function. In summary, the available evidence is currently insufficient to determine the role of this variant in disease. Therefore, it has been classified as a Variant of Uncertain Significance.